The following is an entry in ClinVar:

NM_004333.6(BRAF):c.1432+17_1432+19del

Gene: BRAF (B-Raf proto-oncogene, serine/threonine kinase; minus strand). Cytogenetic location: 7q34.
Variant type: Microsatellite.
Coding change: c.1432+17_1432+19del on transcript NM_004333.6 (MANE Select); bases 17 to 19 of the intron after coding-DNA position 1432, 3 bases deleted (GTG; older notation c.1432+17_1432+19delGTG).
Molecular consequence: intron variant.
Genome position (GRCh38, 1-based): chr7:140,781,557-140,781,559, CAC deleted on the plus strand (GTG on the coding strand, the reverse complement: BRAF is on the minus strand); deleting any 3 consecutive bases within chr7:140,781,557-140,781,562 gives the same sequence; the c. name uses the placement nearest the transcript's 3' end. VCF-style (leftmost placement, unchanged base first): chr7-140781556-TCAC-T. GRCh37 (hg19) VCF-style: chr7-140481356-TCAC-T.
Other names: c.1432+17_1432+19del (NM_001378474.1, NM_001378468.1, NM_001354609.2); c.1330+17_1330+19del (NM_001378470.1); c.1168+17_1168+19del (NM_001378475.1); c.1321+17_1321+19del (NM_001378471.1); c.1552+17_1552+19del (NM_001374258.1, NM_001374244.1); c.1441+17_1441+19del (NM_001378467.1); c.1276+17_1276+19del (NM_001378472.1, NM_001378473.1); c.1366+17_1366+19del (NM_001378469.1).
Identifiers: ClinVar variation 1651604 (VCV001651604.11), dbSNP rs777363183, ClinGen allele CA4516739.

ClinVar aggregate classification (germline): Benign/Likely benign. Review status: criteria provided, multiple submitters, no conflicts (2 of 4 stars). 4 submissions from 4 submitters: Benign (1); Likely benign (3). Last evaluated 2025-12-22.

Conditions:
RASopathy. Also called: rasopathies; Noonan spectrum disorder. Identifiers: Orphanet 536391, MedGen C5555857, MONDO:0021060.
Lung cancer. Also called: Lung cancer, somatic; Malignant tumor of lung. Identifiers: MedGen C0242379, MONDO:0008903, OMIM 211980.
Melanoma, cutaneous malignant, susceptibility to, 1 (CMM1). Also called: DYSPLASTIC NEVUS SYNDROME, HEREDITARY; FAMILIAL ATYPICAL MOLE-MALIGNANT MELANOMA SYNDROME; MELANOMA, MALIGNANT; B-K MOLE SYNDROME. Identifiers: Orphanet 618, MedGen C1835047, MONDO:0007963, OMIM 155600.
Cardiofaciocutaneous syndrome 1 (CFC1). Also called: BRAF-Related Cardiofaciocutaneous Syndrome. Identifiers: Orphanet 1340, MedGen CN029449, MONDO:0007265, OMIM 115150. Disease mechanism: gain of function.
LEOPARD syndrome 3 (LPRD3). Identifiers: Orphanet 500, MedGen C3150971, MONDO:0013380, OMIM 613707.
Noonan syndrome 7 (NS7). Also called: BRAF-Related Noonan Syndrome. Identifiers: Orphanet 648, MedGen C3150970, MONDO:0013379, OMIM 613706.
Colorectal cancer. Also called: Malignant Colorectal Neoplasm; Colorectal cancer, somatic. Identifiers: MedGen C0346629, MONDO:0005575, OMIM 114500.
Noonan syndrome 1 (NS1). Also called: PTPN11-Related Noonan Syndrome; FEMALE PSEUDO-TURNER SYNDROME; TURNER PHENOTYPE WITH NORMAL KARYOTYPE. Identifiers: Orphanet 648, MedGen C4551602, MONDO:0008104, OMIM 163950. Disease mechanism: gain of function.

Submissions (4):

Labcorp Genetics (formerly Invitae), Labcorp
Classification: Likely benign for RASopathy. Last evaluated: 2025-12-22. Review status: criteria provided, single submitter. Criteria: Invitae Variant Classification Sherloc (09022015). Collection method: clinical testing. Allele origin: germline.

Blueprint Genetics
Classification: Likely benign. Last evaluated: 2024-11-01. Review status: criteria provided, single submitter. Criteria: ACMG Guidelines, 2015. Collection method: clinical testing. Allele origin: germline.

Women's Health and Genetics/Laboratory Corporation of America, LabCorp
Classification: Benign. Last evaluated: 2022-11-14. Review status: criteria provided, single submitter. Criteria: LabCorp Variant Classification Summary - May 2015. Collection method: clinical testing. Allele origin: germline.
Comment: Variant summary: BRAF c.1432+17_1432+19delGTG alters a non-conserved nucleotide located close to a canonical splice site and therefore could affect mRNA splicing, leading to a significantly altered protein sequence. 4/4 computational tools predict no significant impact on normal splicing. However, these predictions have yet to be confirmed by functional studies. The variant allele was found at a frequency of 6e-05 in 251286 control chromosomes (gnomAD). The observed variant frequency is approximately 13 fold of the estimated maximal expected allele frequency for a pathogenic variant in BRAF causing Cardiofaciocutaneous Syndrome phenotype (4.7e-06), strongly suggesting that the variant is benign. To our knowledge, no occurrence of c.1432+17_1432+19delGTG in individuals affected with Cardiofaciocutaneous Syndrome and no experimental evidence demonstrating its impact on protein function have been reported. One clinical diagnostic laboratory has submitted clinical-significance assessments for this variant to ClinVar after 2014 and classified the variant as likely benign. Based on the evidence outlined above, the variant was classified as benign.

Fulgent Genetics
Classification: Likely benign for Colorectal cancer; Cardiofaciocutaneous syndrome 1; Melanoma, cutaneous malignant, susceptibility to, 1; Noonan syndrome 1; Lung cancer; Noonan syndrome 7; LEOPARD syndrome 3. Last evaluated: 2021-08-16. Review status: criteria provided, single submitter. Criteria: ACMG Guidelines, 2015. Collection method: clinical testing. Allele origin: unknown.